The following is an entry in ClinVar:

ClinVar aggregate classification (germline): Likely benign (1 of 4 stars; one submission).

gnomAD v4.1: 661 of 1,601,726 alleles (0.041%); highest among the groups gnomAD compares: South Asian, 0.49%; 7 homozygotes.

Submission:

CeGaT Center for Human Genetics Tuebingen
Classification: Likely benign. Last evaluated: 2025-07-01. Review status: criteria provided, single submitter. Criteria: CeGaT Center For Human Genetics Tuebingen Variant Classification Criteria Version 2. Collection method: clinical testing. Allele origin: germline. Affected: yes. Observed: 1 variant allele.
Comment: FIP1L1: BP4, BP7

NM_030917.4(FIP1L1):c.48G>C (p.Gly16=)

Gene: FIP1L1 (factor interacting with PAPOLA and CPSF1; plus strand). Cytogenetic location: 4q12.
Variant type: single nucleotide variant.
Coding change: c.48G>C on transcript NM_030917.4 (MANE Select); coding-DNA position 48, G replaced by C.
Protein change: p.Gly16=; no amino-acid change (glycine 16 retained).
Molecular consequence: synonymous variant. On other transcripts: 5 prime UTR variant (1), non-coding transcript variant (3).
Genome position (GRCh38, 1-based): chr4:53,377,886, G>C. VCF-style: chr4-53377886-G-C. GRCh37 (hg19) VCF-style: chr4-54244053-G-C.
Other names: c.48G>C, p.Gly16= (NM_001134937.2, NM_001134938.2, NM_001376744.1 and 42 more transcripts); c.-11G>C (NM_001376782.1).
Identifiers: ClinVar variation 4084019 (VCV004084019.8).